The following is an entry in ClinVar:

ClinVar aggregate classification (germline): Uncertain significance (1 of 4 stars; one submission).

Conditions:
WDPCP-related disorder. Also called: WDPCP-related condition.

Submission:

PreventionGenetics, part of Exact Sciences
Classification: Uncertain significance for WDPCP-related condition. Last evaluated: 2024-11-26. Review status: criteria provided, single submitter. Criteria: ACMG Guidelines, 2015. Collection method: clinical testing. Allele origin: germline.
Comment: The WDPCP c.209-7A>G variant is predicted to interfere with splicing. This variant is predicted to create a cryptic splice acceptor site (SpliceAI, Jaganathan et al. 2019. PubMed ID: 30661751). To our knowledge, this variant has not been reported in the literature or in a large population database (gnomAD), indicating this variant is rare. At this time, the clinical significance of this variant is uncertain due to the absence of conclusive functional and genetic evidence.

NM_015910.7(WDPCP):c.209-7A>G

Gene: WDPCP (WD repeat containing planar cell polarity effector; minus strand). Cytogenetic location: 2p15.
Variant type: single nucleotide variant.
Coding change: c.209-7A>G on transcript NM_015910.7 (MANE Select); 7 bases into the intron before coding-DNA position 209, A replaced by G.
Molecular consequence: intron variant.
Genome position (GRCh38, 1-based): chr2:63,486,593, T>C on the plus strand (A>G on the coding strand, the complement: WDPCP is on the minus strand). VCF-style: chr2-63486593-T-C. GRCh37 (hg19) VCF-style: chr2-63713727-T-C.
Other names: c.137-7A>G (NM_001354044.2); c.209-7A>G (NM_001354045.2).
Identifiers: ClinVar variation 4987578 (VCV004987578.1).